The following is an entry in ClinVar:

ClinVar aggregate classification (germline): Uncertain significance (1 of 4 stars; one submission).

Submission:

Labcorp Genetics (formerly Invitae), Labcorp
Classification: Uncertain significance. Last evaluated: 2022-07-26. Review status: criteria provided, single submitter. Criteria: Invitae Variant Classification Sherloc (09022015). Collection method: clinical testing. Allele origin: germline.
Comment: In summary, the available evidence is currently insufficient to determine the role of this variant in disease. Therefore, it has been classified as a Variant of Uncertain Significance. Experimental studies and prediction algorithms are not available or were not evaluated, and the functional significance of this variant is currently unknown. This variant has not been reported in the literature in individuals affected with SLC24A1-related conditions. This variant is present in population databases (rs765893492, gnomAD 0.05%). This variant, c.2586_2588del, results in the deletion of 1 amino acid(s) of the SLC24A1 protein (p.Glu868del), but otherwise preserves the integrity of the reading frame.

NM_004727.3(SLC24A1):c.2583GGA[1] (p.Glu868del)

Gene: SLC24A1 (solute carrier family 24 member 1; plus strand). Cytogenetic location: 15q22.31.
Variant type: Microsatellite.
Coding change: c.2583GGA[1] on transcript NM_004727.3 (MANE Select); one copy of the 3-base unit GGA starting at c.2583; the reference has two copies in a row; one copy, 3 bases deleted.
Protein change: p.Glu868del; deletes glutamic acid 868.
Molecular consequence: inframe deletion. On other transcripts: inframe indel (1).
Genome position (GRCh38, 1-based): chr15:65,650,735-65,650,737, GGA deleted; deleting any 3 consecutive bases within chr15:65,650,730-65,650,737 gives the same sequence; the position shown is the placement nearest the transcript's 3' end. VCF-style (leftmost placement, unchanged base first): chr15-65650729-AGAG-A. GRCh37 (hg19) VCF-style: chr15-65943067-AGAG-A.
Other names: c.564GGA[1], p.Glu195del (NM_001254740.2); c.2583GGA[1], p.Glu868del (NM_001301031.1); c.2529GGA[1], p.Glu850del (NM_001301032.1, NM_001301033.2); c.2241_2243GGA[1], p.Glu754del (NM_001411142.1); short protein forms E868del, E850del, E195del, E754del.
Identifiers: ClinVar variation 1921356 (VCV001921356.3), dbSNP rs765893492, ClinGen allele CA7620149.